The following is an entry in ClinVar:

ClinVar aggregate classification (germline): Uncertain significance (1 of 4 stars; one submission).

Conditions:
SLC2A9-related disorder. Also called: SLC2A9-related condition.

gnomAD v4.1: 2 of 1,614,052 alleles (0.00012%); highest among the groups gnomAD compares: Admixed American, 0.0033%; no homozygotes.

Submission:

PreventionGenetics, part of Exact Sciences
Classification: Uncertain significance for SLC2A9-related condition. Last evaluated: 2026-06-22. Review status: criteria provided, single submitter. Criteria: ACMG Guidelines, 2015. Collection method: clinical testing. Allele origin: germline.
Comment: The SLC2A9 c.439T>C variant is predicted to result in the amino acid substitution p.Phe147Leu. To our knowledge, this variant has not been reported in the literature. This variant is reported in 0.0029% of alleles in individuals of Latino descent in gnomAD. At this time, the clinical significance of this variant is uncertain due to the absence of conclusive functional and genetic evidence.

NM_020041.3(SLC2A9):c.439T>C (p.Phe147Leu)

Gene: SLC2A9 (solute carrier family 2 member 9; minus strand). Cytogenetic location: 4p16.1.
Variant type: single nucleotide variant.
Coding change: c.439T>C on transcript NM_020041.3 (MANE Select); coding-DNA position 439, T replaced by C.
Protein change: p.Phe147Leu; replaces phenylalanine 147 with leucine.
Molecular consequence: missense variant.
Genome position (GRCh38, 1-based): chr4:9,985,765, A>G on the plus strand (T>C on the coding strand, the complement: SLC2A9 is on the minus strand). VCF-style: chr4-9985765-A-G. GRCh37 (hg19) VCF-style: chr4-9987389-A-G.
Other names: c.439T>C (NM_020041.2); c.352T>C, p.Phe118Leu (NM_001001290.2); short protein forms F118L, F147L.
Identifiers: ClinVar variation 4989322 (VCV004989322.1).
Genomic context (GRCh38, chr4:9,985,765, plus strand): 5'-GCATTTCAAAGGCTCCTGCCTGGAGCGAGCAGGCCATCAGCAATGCAGCAGAAATTGCAA[A>G]CCCATTATTGGCCAGCAAAGTGTGCTTCCTGGAAAGAAAGGAAAGATTTGATGAAGATGT-3'
Protein context (NP_064425.2, residues 137-157): RKHTLLANNG[Phe147Leu]AISAALLMAC